The following is an entry in ClinVar:

ClinVar aggregate classification (germline): Pathogenic (1 of 4 stars; one submission).

Conditions:
Autosomal recessive osteopetrosis 1. Also called: ALBERS-SCHONBERG DISEASE, AUTOSOMAL RECESSIVE; TCIRG1-Related Autosomal Recessive Osteopetrosis; TCIRG1-Related Osteopetrosis. Identifiers: Orphanet 667, MedGen C1850127, MONDO:0009815, OMIM 259700.

Submission:

Myriad Genetics, Inc.
Classification: Pathogenic for Autosomal recessive osteopetrosis 1. Last evaluated: 2026-08-27. Review status: criteria provided, single submitter. Criteria: Myriad Autosomal Dominant, Autosomal Recessive and X-Linked Classification Criteria (2023). Collection method: clinical testing. Allele origin: unknown.
Comment: NM_006019.3(TCIRG1):c.2199delC(Y734Tfs*7) is expected to be pathogenic in the context of autosomal recessive osteopetrosis type 1. This variant is predicted to lead to an abnormal or absent protein product due to the creation of a premature termination codon in TCIRG1, a gene where loss-of-function variants are known to be pathogenic. Please note: this variant was assessed in the context of healthy population screening.

NM_006019.4(TCIRG1):c.2199del (p.Tyr734fs)

Gene: TCIRG1 (T cell immune regulator 1, ATPase H+ transporting V0 subunit a3; plus strand). Cytogenetic location: 11q13.2.
Variant type: Deletion.
Coding change: c.2199del on transcript NM_006019.4 (MANE Select); coding-DNA position 2199, one base deleted (C; older notation c.2199delC).
Protein change: p.Tyr734fs; shifts the reading frame from tyrosine 734.
Molecular consequence: frameshift variant.
Genome position (GRCh38, 1-based): chr11:68,050,217, C deleted; the last of 2 consecutive C bases (chr11:68,050,216-68,050,217); deleting either gives the same sequence. VCF-style (leftmost placement, unchanged base first): chr11-68050215-TC-T. GRCh37 (hg19) VCF-style: chr11-67817682-TC-T.
Other names: c.1305del, p.Tyr436fs (NM_001351059.2); c.2199del, p.Tyr734fs (NM_001440552.1, NM_001440553.1, NM_001440554.1 and 2 more transcripts); c.2157del, p.Tyr720fs (NM_001440555.1, NM_001440556.1, NM_001440563.1); c.1986del, p.Tyr663fs (NM_001440559.1, NM_001440560.1, NM_001440561.1 and 2 more transcripts); c.1944del, p.Tyr649fs (NM_001440564.1); c.1899del, p.Tyr634fs (NM_001440565.1); c.1737del, p.Tyr580fs (NM_001440567.1); c.1731del, p.Tyr578fs (NM_001440568.1); and 2 more; short protein forms Y414fs, Y436fs, Y518fs, Y578fs, Y580fs, Y634fs, Y649fs, Y663fs.
Identifiers: ClinVar variation 5016284 (VCV005016284.1).